The following is an entry in ClinVar:

NM_000466.3(PEX1):c.1246_1247del (p.Pro415_Asp416insTer)

Gene: PEX1 (peroxisomal biogenesis factor 1; minus strand). Cytogenetic location: 7q21.2.
Variant type: Deletion.
Coding change: c.1246_1247del on transcript NM_000466.3 (MANE Select); coding-DNA positions 1246 to 1247, 2 bases deleted (GA; older notation c.1246_1247delGA).
Protein change: p.Pro415_Asp416insTer.
Molecular consequence: nonsense.
Genome position (GRCh38, 1-based): chr7:92,513,960-92,513,961, TC deleted on the plus strand (GA on the coding strand, the reverse complement: PEX1 is on the minus strand); deleting any 2 consecutive bases within chr7:92,513,960-92,513,962 gives the same sequence; the c. name uses the placement nearest the transcript's 3' end. VCF-style (leftmost placement, unchanged base first): chr7-92513959-ATC-A. GRCh37 (hg19) VCF-style: chr7-92143273-ATC-A.
Other names: c.1246_1247del, p.Pro415_Asp416insTer (NM_001282677.2); c.622_623del, p.Pro207_Asp208insTer (NM_001282678.2).
Identifiers: ClinVar variation 4818379 (VCV004818379.1).

ClinVar aggregate classification (germline): Pathogenic (1 of 4 stars; one submission).

Conditions:
Zellweger spectrum disorders (ZS). Also called: Zellweger Spectrum Disorder (ZSD); Zellweger syndrome; Zellweger Spectrum Disorder; Zellweger Spectrum. Identifiers: Orphanet 912, MedGen C0043459, MONDO:0019609.

Submission:

Natera, Inc.
Classification: Pathogenic for Zellweger syndrome. Last evaluated: 2025-04-04. Review status: criteria provided, single submitter. Criteria: Natera Variant Classification Schema (03/2026). Collection method: clinical testing. Allele origin: germline.
Comment: The c.1246_1247delGA variant in PEX1 is a frameshift variant predicted to shift the reading frame and introduce a stop codon. This variant is expected to result in nonsense mediated decay, truncation, or a dysfunctional protein product. This variant is rare in the general population with a frequency below the threshold expected for the associated phenotype(s). This variant has been observed in one or more individuals affected with the associated recessive disease, as either homozygous or compound heterozygous with a second variant (PMID: 37204857). Given the available evidence, this variant is classified as Pathogenic.

Literature cited by the submitters: PubMed 37204857.